The following is an entry in ClinVar:

NM_001042492.3(NF1):c.2944del (p.His982fs)

Gene: NF1 (neurofibromin 1; plus strand). Cytogenetic location: 17q11.2.
Variant type: Deletion.
Coding change: c.2944del on transcript NM_001042492.3 (MANE Select); coding-DNA position 2944, one base deleted (C; older notation c.2944delC).
Protein change: p.His982fs; shifts the reading frame from histidine 982.
Molecular consequence: frameshift variant.
Genome position (GRCh38, 1-based): chr17:31,229,928, C deleted. VCF-style (leftmost placement, unchanged base first): chr17-31229927-AC-A. GRCh37 (hg19) VCF-style: chr17-29556945-AC-A.
Other names: c.2944delC (NM_000267.3); c.2944delC, p.His982Ilefs (NM_000267.4); short protein forms H982fs.
Identifiers: ClinVar variation 1075972 (VCV001075972.6), dbSNP rs2151430726, ClinGen allele CA2499224075.

ClinVar aggregate classification (germline): Pathogenic. Review status: criteria provided, multiple submitters, no conflicts (2 of 4 stars). 2 submissions from 2 submitters: Pathogenic (2). Last evaluated 2026-04-07.

Conditions:
Neurofibromatosis, type 1 (NF1). Also called: NEUROFIBROMATOSIS, TYPE I, SOMATIC; Neurofibromatosis, type I; VON RECKLINGHAUSEN DISEASE; Peripheral type neurofibromatosis. Identifiers: Orphanet 636, MedGen C0027831, MONDO:0018975, OMIM 162200. Disease mechanism: loss of function.
Cardiovascular phenotype. Identifiers: MedGen CN230736.
Hereditary cancer-predisposing syndrome. Also called: Hereditary neoplastic syndrome; Neoplastic Syndromes, Hereditary; Tumor predisposition; Hereditary Cancer Syndrome. Identifiers: Orphanet 140162, MedGen C0027672, MeSH D009386, MONDO:0015356.

Submissions (2):

Ambry Genetics
Classification: Pathogenic for Cardiovascular phenotype; Hereditary cancer-predisposing syndrome. Last evaluated: 2026-04-07. Review status: criteria provided, single submitter. Criteria: Ambry Variant Classification Scheme 2023. Collection method: clinical testing. Allele origin: germline.
Comment: The c.2944delC pathogenic mutation, located in coding exon 22 of the NF1 gene, results from a deletion of one nucleotide at nucleotide position 2944, causing a translational frameshift with a predicted alternate stop codon (p.H982Ifs*2). This variant is considered to be rare based on population cohorts in the Genome Aggregation Database (gnomAD). This alteration is expected to result in loss of function by premature protein truncation or nonsense-mediated mRNA decay. As such, this alteration is interpreted as a disease-causing mutation.

Labcorp Genetics (formerly Invitae), Labcorp
Classification: Pathogenic for Neurofibromatosis, type 1. Last evaluated: 2025-04-16. Review status: criteria provided, single submitter. Criteria: Invitae Variant Classification Sherloc (09022015). Collection method: clinical testing. Allele origin: germline.
Comment: This sequence change creates a premature translational stop signal (p.His982Ilefs*2) in the NF1 gene. It is expected to result in an absent or disrupted protein product. Loss-of-function variants in NF1 are known to be pathogenic (PMID: 10712197, 23913538). This variant is not present in population databases (gnomAD no frequency). This premature translational stop signal has been observed in individual(s) with clinical features of neurofibromatosis type 1 (PMID: 18546366). ClinVar contains an entry for this variant (Variation ID: 1075972). Algorithms developed to predict the effect of sequence changes on RNA splicing suggest that this variant may disrupt the consensus splice site. For these reasons, this variant has been classified as Pathogenic.

Literature cited by the submitters: PubMed 10712197 (cited by Labcorp Genetics (formerly Invitae), Labcorp); PubMed 23913538 (cited by Labcorp Genetics (formerly Invitae), Labcorp); PubMed 18546366 (cited by Labcorp Genetics (formerly Invitae), Labcorp).